The following is an entry in ClinVar:

NM_177438.3(DICER1):c.2651-1G>A

Gene: DICER1 (dicer 1, ribonuclease III; minus strand). Cytogenetic location: 14q32.13.
Variant type: single nucleotide variant.
Coding change: c.2651-1G>A on transcript NM_177438.3 (MANE Select); the canonical splice acceptor site of the intron before coding-DNA position 2651, G replaced by A.
Molecular consequence: splice acceptor variant.
Genome position (GRCh38, 1-based): chr14:95,107,762, C>T on the plus strand (G>A on the coding strand, the complement: DICER1 is on the minus strand). VCF-style: chr14-95107762-C-T. GRCh37 (hg19) VCF-style: chr14-95574099-C-T.
Other names: c.2651-1G>A (NM_001291628.2, NM_030621.4, NM_001395677.1 and 12 more transcripts); c.2246-1G>A (NM_001395690.1, NM_001395687.1, NM_001395689.1 and 2 more transcripts); c.2369-1G>A (NM_001395686.1); c.2084-1G>A (NM_001395691.1); c.968-1G>A (NM_001395697.1).
Identifiers: ClinVar variation 1694728 (VCV001694728.32), dbSNP rs1595379448, ClinGen allele CA390881000.
Genomic context (GRCh38, chr14:95,107,762, plus strand): 5'-CAGACTTCTCAATATCTTCCATGAATTTAAAGTCAATATCCAAAGTGCTGGAGTCATTAA[C>T]TTAGAAGAGAAAAACGACTCTTTAGCTTGTTAAAACATGATACAGATAAGTTTCATACCA-3'

ClinVar aggregate classification (germline): Pathogenic/Likely pathogenic. Review status: criteria provided, multiple submitters, no conflicts (2 of 4 stars). 2 submissions from 2 submitters: Pathogenic (1); Likely pathogenic (1). Last evaluated 2025-04-18.

Conditions:
DICER1-related tumor predisposition. Also called: DICER1-related pleuropulmonary blastoma cancer predisposition syndrome; DICER1 syndrome. Identifiers: Orphanet 284343, MedGen C3839822, MONDO:0100216.

Submissions (2):

Labcorp Genetics (formerly Invitae), Labcorp
Classification: Pathogenic for DICER1-related tumor predisposition. Last evaluated: 2025-04-18. Review status: criteria provided, single submitter. Criteria: Invitae Variant Classification Sherloc (09022015). Collection method: clinical testing. Allele origin: germline.
Comment: This sequence change affects an acceptor splice site in intron 16 of the DICER1 gene. It is expected to disrupt RNA splicing. Variants that disrupt the donor or acceptor splice site typically lead to a loss of protein function (PMID: 16199547), and loss-of-function variants in DICER1 are known to be pathogenic (PMID: 19556464, 21266384). This variant is not present in population databases (gnomAD no frequency). Disruption of this splice site has been observed in individuals with clinical features of DICER1-related conditions (internal data). ClinVar contains an entry for this variant (Variation ID: 1694728). Algorithms developed to predict the effect of sequence changes on RNA splicing suggest that this variant may disrupt the consensus splice site. For these reasons, this variant has been classified as Pathogenic.

CeGaT Center for Human Genetics Tuebingen
Classification: Likely pathogenic. Last evaluated: 2022-07-01. Review status: criteria provided, single submitter. Criteria: CeGaT Center For Human Genetics Tuebingen Variant Classification Criteria Version 2. Collection method: clinical testing. Allele origin: germline. Affected: yes. Observed: 1 variant allele.
Comment: DICER1: PVS1:Strong, PM2

Literature cited by the submitters: PubMed 16199547 (cited by Labcorp Genetics (formerly Invitae), Labcorp); PubMed 19556464 (cited by Labcorp Genetics (formerly Invitae), Labcorp); PubMed 21266384 (cited by Labcorp Genetics (formerly Invitae), Labcorp).